The following is an entry in ClinVar:

ClinVar aggregate classification (germline): Uncertain significance. Review status: criteria provided, multiple submitters, no conflicts (2 of 4 stars). 4 submissions from 4 submitters: Uncertain significance (3). 1 of the submissions does not count toward it. Last evaluated 2025-06-16.

Conditions:
Hereditary cancer-predisposing syndrome. Also called: Tumor predisposition; Neoplastic Syndromes, Hereditary; Hereditary Cancer Syndrome; Hereditary neoplastic syndrome. Identifiers: Orphanet 140162, MedGen C0027672, MeSH D009386, MONDO:0015356.
Microcephaly, normal intelligence and immunodeficiency (NBS). Also called: BERLIN BREAKAGE SYNDROME; Ataxia telangiectasia variant V1; IMMUNODEFICIENCY, MICROCEPHALY, AND CHROMOSOMAL INSTABILITY; SEEMANOVA SYNDROME II; Immunodeficiency, microcephaly with normal intelligence; Nijmegen breakage syndrome. Identifiers: Orphanet 647, MedGen C0398791, MONDO:0009623, OMIM 251260.

Allele frequency attached by ClinVar (database versions not stated): gnomAD exomes below 0.00001.
gnomAD v4.1: 5 of 1,613,792 alleles (0.00031%); highest among the groups gnomAD compares: Non-Finnish European, 0.00042%; no homozygotes.

Submissions (4):

Labcorp Genetics (formerly Invitae), Labcorp
Classification: Uncertain significance for Microcephaly, normal intelligence and immunodeficiency. Last evaluated: 2025-06-16. Review status: criteria provided, single submitter. Criteria: Invitae Variant Classification Sherloc (09022015). Collection method: clinical testing. Allele origin: germline.
Comment: This sequence change replaces threonine, which is neutral and polar, with alanine, which is neutral and non-polar, at codon 336 of the NBN protein (p.Thr336Ala). This variant is not present in population databases (gnomAD no frequency). This variant has not been reported in the literature in individuals affected with NBN-related conditions. ClinVar contains an entry for this variant (Variation ID: 492072). An algorithm developed to predict the effect of missense changes on protein structure and function outputs the following: PolyPhen-2: "Benign". The alanine amino acid residue is found in multiple mammalian species, which suggests that this missense change does not adversely affect protein function. In summary, the available evidence is currently insufficient to determine the role of this variant in disease. Therefore, it has been classified as a Variant of Uncertain Significance.

Ambry Genetics
Classification: Uncertain significance for Hereditary cancer-predisposing syndrome. Last evaluated: 2024-06-19. Review status: criteria provided, single submitter. Criteria: Ambry Variant Classification Scheme 2023. Collection method: clinical testing. Allele origin: germline.
Comment: The p.T336A variant (also known as c.1006A>G), located in coding exon 9 of the NBN gene, results from an A to G substitution at nucleotide position 1006. The threonine at codon 336 is replaced by alanine, an amino acid with similar properties. This amino acid position is not well conserved in available vertebrate species. In addition, this alteration is predicted to be tolerated by in silico analysis. Since supporting evidence is limited at this time, the clinical significance of this alteration remains unclear.

Genome-Nilou Lab
Classification: Uncertain significance for Microcephaly, normal intelligence and immunodeficiency. Last evaluated: 2021-11-07. Review status: criteria provided, single submitter. Criteria: ACMG Guidelines, 2015. Collection method: clinical testing. Allele origin: germline. Affected: no.

Natera, Inc.
Classification: Uncertain significance for Nijmegen breakage syndrome. Last evaluated: 2020-09-10. Review status: no assertion criteria provided. Collection method: clinical testing. Allele origin: germline. Not counted in ClinVar's aggregate classification.

NM_002485.5(NBN):c.1006A>G (p.Thr336Ala)

Gene: NBN (nibrin; minus strand). Cytogenetic location: 8q21.3.
Variant type: single nucleotide variant.
Coding change: c.1006A>G on transcript NM_002485.5 (MANE Select); coding-DNA position 1006, A replaced by G.
Protein change: p.Thr336Ala; replaces threonine 336 with alanine.
Molecular consequence: missense variant.
Genome position (GRCh38, 1-based): chr8:89,958,843, T>C on the plus strand (A>G on the coding strand, the complement: NBN is on the minus strand). VCF-style: chr8-89958843-T-C. GRCh37 (hg19) VCF-style: chr8-90971071-T-C.
Other names: c.760A>G, p.Thr254Ala (NM_001024688.3); short protein forms T336A, T254A.
Identifiers: ClinVar variation 492072 (VCV000492072.25), dbSNP rs1554560506, ClinGen allele CA371656799.